The following is an entry in ClinVar:

ClinVar aggregate classification (germline): Likely benign (1 of 4 stars; one submission).

Conditions:
LEPR-related disorder. Also called: LEPR-related condition; LEPR-related disorders.

gnomAD v4.1: 39 of 1,614,004 alleles (0.0024%); highest among the groups gnomAD compares: Non-Finnish European, 0.0033%; no homozygotes.

Submission:

PreventionGenetics, part of Exact Sciences
Classification: Likely benign for LEPR-related condition. Last evaluated: 2026-03-10. Review status: criteria provided, single submitter. Criteria: ACMG Guidelines, 2015. Collection method: clinical testing. Allele origin: germline.
Comment: This variant is classified as likely benign based on ACMG/AMP sequence variant interpretation guidelines (Richards et al. 2015 PMID: 25741868, with internal and published modifications).

NM_002303.6(LEPR):c.129C>T (p.Thr43=)

Gene: LEPR (leptin receptor; plus strand). Cytogenetic location: 1p31.3.
Variant type: single nucleotide variant.
Coding change: c.129C>T on transcript NM_002303.6 (MANE Select); coding-DNA position 129, C replaced by T.
Protein change: p.Thr43=; no amino-acid change (threonine 43 retained).
Molecular consequence: synonymous variant.
Genome position (GRCh38, 1-based): chr1:65,570,561, C>T. VCF-style: chr1-65570561-C-T. GRCh37 (hg19) VCF-style: chr1-66036244-C-T.
Other names: c.129C>T, p.Thr43= (NM_001003679.3, NM_001003680.3, NM_001198687.2 and 2 more transcripts).
Identifiers: ClinVar variation 4977137 (VCV004977137.1).